The following is an entry in ClinVar:

NM_000186.4(CFH):c.3475G>A (p.Glu1159Lys)

Gene: CFH (complement factor H; plus strand). Cytogenetic location: 1q31.3.
Variant type: single nucleotide variant.
Coding change: c.3475G>A on transcript NM_000186.4 (MANE Select); coding-DNA position 3475, G replaced by A.
Protein change: p.Glu1159Lys; replaces glutamic acid 1159 with lysine.
Molecular consequence: missense variant.
Genome position (GRCh38, 1-based): chr1:196,745,981, G>A. VCF-style: chr1-196745981-G-A. GRCh37 (hg19) VCF-style: chr1-196715111-G-A.
Other names: short protein forms E1159K.
Identifiers: ClinVar variation 4291581 (VCV004291581.1).

ClinVar aggregate classification (germline): Uncertain significance (1 of 4 stars; one submission).

Conditions:
Atypical hemolytic-uremic syndrome. Identifiers: Orphanet 2134, MedGen C2931788, MONDO:0016244.

Submission:

Genomenon, Inc
Classification: Uncertain significance for Atypical hemolytic-uremic syndrome. Last evaluated: 2025-10-02. Review status: criteria provided, single submitter. Criteria: Genomenon Sequence Variant Interpretation Standards - Updated. Collection method: curation. Allele origin: germline. Affected: yes.
Comment: CFH p.Glu1159Lys (c.3475G>A) is a missense variant that changes the amino acid at residue 1159 from Glutamic acid to Lysine. This variant has been observed in at least one proband affected with atypical hemolytic-uremic syndrome (PMID:30890598). It is absent or not present at a significant frequency in gnomAD. In silico models agree that this variant is not damaging. In conclusion, we classify CFH p.Glu1159Lys (c.3475G>A) as a variant of uncertain significance.

Literature cited by the submitters: PubMed 30890598.